The following is an entry in ClinVar:

NM_005045.4(RELN):c.5549T>C (p.Ile1850Thr)

Gene: RELN (reelin; minus strand). Cytogenetic location: 7q22.1.
Variant type: single nucleotide variant.
Coding change: c.5549T>C on transcript NM_005045.4 (MANE Select); coding-DNA position 5549, T replaced by C.
Protein change: p.Ile1850Thr; replaces isoleucine 1850 with threonine.
Molecular consequence: missense variant.
Genome position (GRCh38, 1-based): chr7:103,558,030, A>G on the plus strand (T>C on the coding strand, the complement: RELN is on the minus strand). VCF-style: chr7-103558030-A-G. GRCh37 (hg19) VCF-style: chr7-103198477-A-G.
Other names: c.5549T>C, p.Ile1850Thr (NM_173054.3); short protein forms I1850T.
Identifiers: ClinVar variation 1041389 (VCV001041389.8), dbSNP rs1830563554, ClinGen allele CA368742645.

ClinVar aggregate classification (germline): Uncertain significance (1 of 4 stars; one submission).

Conditions:
Norman-Roberts syndrome (LIS2). Also called: Lissencephaly 2 (Norman-Roberts type). Identifiers: Orphanet 89844, MedGen C0796089, MONDO:0009760, OMIM 257320.
Familial temporal lobe epilepsy 7. Identifiers: Orphanet 101046, MedGen C4225327, MONDO:0014639, OMIM 616436.

Allele frequency attached by ClinVar (database versions not stated): gnomAD exomes below 0.00001.
gnomAD v4.1: 2 of 1,523,756 alleles (0.00013%); highest among the groups gnomAD compares: Non-Finnish European, 0.00018%; no homozygotes.

Submission:

Labcorp Genetics (formerly Invitae), Labcorp
Classification: Uncertain significance for Familial temporal lobe epilepsy 7; Norman-Roberts syndrome. Last evaluated: 2025-01-25. Review status: criteria provided, single submitter. Criteria: Invitae Variant Classification Sherloc (09022015). Collection method: clinical testing. Allele origin: germline.
Comment: This sequence change replaces isoleucine, which is neutral and non-polar, with threonine, which is neutral and polar, at codon 1850 of the RELN protein (p.Ile1850Thr). This variant is not present in population databases (gnomAD no frequency). This variant has not been reported in the literature in individuals affected with RELN-related conditions. ClinVar contains an entry for this variant (Variation ID: 1041389). Invitae Evidence Modeling of protein sequence and biophysical properties (such as structural, functional, and spatial information, amino acid conservation, physicochemical variation, residue mobility, and thermodynamic stability) indicates that this missense variant is not expected to disrupt RELN protein function with a negative predictive value of 80%. In summary, the available evidence is currently insufficient to determine the role of this variant in disease. Therefore, it has been classified as a Variant of Uncertain Significance.